The following is an entry in ClinVar:

ClinVar aggregate classification (germline): Uncertain significance (1 of 4 stars; one submission).

gnomAD v4.1: 1 of 1,614,144 alleles (0.000062%); highest among the groups gnomAD compares: Non-Finnish European, 0.000085%; no homozygotes.

Submission:

Labcorp Genetics (formerly Invitae), Labcorp
Classification: Uncertain significance. Last evaluated: 2025-07-08. Review status: criteria provided, single submitter. Criteria: Invitae Variant Classification Sherloc (09022015). Collection method: clinical testing. Allele origin: germline.
Comment: This sequence change replaces alanine, which is neutral and non-polar, with valine, which is neutral and non-polar, at codon 916 of the KCNQ5 protein (p.Ala916Val). This variant is not present in population databases (gnomAD no frequency). This variant has not been reported in the literature in individuals affected with KCNQ5-related conditions. Invitae Evidence Modeling of protein sequence and biophysical properties (such as structural, functional, and spatial information, amino acid conservation, physicochemical variation, residue mobility, and thermodynamic stability) indicates that this missense variant is not expected to disrupt KCNQ5 protein function with a negative predictive value of 95%. In summary, the available evidence is currently insufficient to determine the role of this variant in disease. Therefore, it has been classified as a Variant of Uncertain Significance.

NM_019842.4(KCNQ5):c.2690C>T (p.Ala897Val)

Gene: KCNQ5 (potassium voltage-gated channel subfamily Q member 5; plus strand). Cytogenetic location: 6q13.
Variant type: single nucleotide variant.
Coding change: c.2690C>T on transcript NM_019842.4 (MANE Select); coding-DNA position 2690, C replaced by T.
Protein change: p.Ala897Val; replaces alanine 897 with valine.
Molecular consequence: missense variant.
Genome position (GRCh38, 1-based): chr6:73,195,305, C>T. VCF-style: chr6-73195305-C-T. GRCh37 (hg19) VCF-style: chr6-73905028-C-T.
Other names: c.2663C>T, p.Ala888Val (NM_001160130.2); c.2720C>T, p.Ala907Val (NM_001160132.2); c.2747C>T, p.Ala916Val (NM_001160133.2); c.2360C>T, p.Ala787Val (NM_001160134.2); short protein forms A787V, A888V, A897V, A907V, A916V.
Identifiers: ClinVar variation 4801381 (VCV004801381.1).